The following is an entry in ClinVar:

ClinVar aggregate classification (germline): Uncertain significance (1 of 4 stars; one submission).

Conditions:
Leigh syndrome (NULS). Also called: Leigh's syndrome; Leigh Disease; Subacute necrotizing encephalopathy; Necrotizing encephalopathy infantile subacute of Leigh; LEIGH SYNDROME, NUCLEAR; Leigh Syndrome (mtDNA deletion). Identifiers: Orphanet 506, MedGen C2931891, MONDO:0009723, OMIM 256000.

gnomAD v4.1: 1 of 1,613,854 alleles (0.000062%); highest among the groups gnomAD compares: Admixed American, 0.0017%; no homozygotes.

Submission:

Labcorp Genetics (formerly Invitae), Labcorp
Classification: Uncertain significance for Leigh syndrome. Last evaluated: 2021-09-20. Review status: criteria provided, single submitter. Criteria: Invitae Variant Classification Sherloc (09022015). Collection method: clinical testing. Allele origin: germline.
Comment: This sequence change replaces tyrosine with phenylalanine at codon 279 of the SURF1 protein (p.Tyr279Phe). The tyrosine residue is moderately conserved and there is a small physicochemical difference between tyrosine and phenylalanine. This variant is present in population databases (rs587758543, ExAC 0.009%). This variant has not been reported in the literature in individuals affected with SURF1-related conditions. Algorithms developed to predict the effect of missense changes on protein structure and function (SIFT, PolyPhen-2, Align-GVGD) all suggest that this variant is likely to be tolerated. In summary, the available evidence is currently insufficient to determine the role of this variant in disease. Therefore, it has been classified as a Variant of Uncertain Significance.

NM_003172.4(SURF1):c.836A>T (p.Tyr279Phe)

Gene: SURF1 (SURF1 cytochrome c oxidase assembly factor; minus strand). Cytogenetic location: 9q34.2.
Variant type: single nucleotide variant.
Coding change: c.836A>T on transcript NM_003172.4 (MANE Select); coding-DNA position 836, A replaced by T.
Protein change: p.Tyr279Phe; replaces tyrosine 279 with phenylalanine.
Molecular consequence: missense variant.
Genome position (GRCh38, 1-based): chr9:133,351,980, T>A on the plus strand (A>T on the coding strand, the complement: SURF1 is on the minus strand). VCF-style: chr9-133351980-T-A. GRCh37 (hg19) VCF-style: chr9-136218835-T-A.
Other names: c.509A>T, p.Tyr170Phe (NM_001280787.1); short protein forms Y279F, Y170F.
Identifiers: ClinVar variation 1389234 (VCV001389234.3), dbSNP rs587758543, ClinGen allele CA200831942.